The following is an entry in ClinVar:

NM_024422.6(DSC2):c.1289A>G (p.Gln430Arg)

Gene: DSC2 (desmocollin 2; minus strand). Cytogenetic location: 18q12.1.
Variant type: single nucleotide variant.
Coding change: c.1289A>G on transcript NM_024422.6 (MANE Select); coding-DNA position 1289, A replaced by G.
Protein change: p.Gln430Arg; replaces glutamine 430 with arginine.
Molecular consequence: missense variant.
Genome position (GRCh38, 1-based): chr18:31,080,327, T>C on the plus strand (A>G on the coding strand, the complement: DSC2 is on the minus strand). VCF-style: chr18-31080327-T-C. GRCh37 (hg19) VCF-style: chr18-28660293-T-C.
Other names: c.860A>G, p.Gln287Arg (NM_001406506.1, NM_001406507.1); c.1289A>G, p.Gln430Arg (NM_004949.5); short protein forms Q287R, Q430R.
Identifiers: ClinVar variation 2825920 (VCV002825920.3), dbSNP rs2510947187, ClinGen allele CA402108946.

ClinVar aggregate classification (germline): Uncertain significance (1 of 4 stars; one submission).

Conditions:
Arrhythmogenic right ventricular dysplasia 11. Also called: ARRHYTHMOGENIC RIGHT VENTRICULAR DYSPLASIA, FAMILIAL, 11; Arrhythmogenic Right Ventricular Dysplasia/Cardiomyopathy11; Arrhythmogenic right ventricular dysplasia 11 with mild palmoplantar keratoderma and woolly hair. Identifiers: MedGen C1864850, MONDO:0012506, OMIM 610476.

Submission:

Labcorp Genetics (formerly Invitae), Labcorp
Classification: Uncertain significance for Arrhythmogenic right ventricular dysplasia 11. Last evaluated: 2023-01-02. Review status: criteria provided, single submitter. Criteria: Invitae Variant Classification Sherloc (09022015). Collection method: clinical testing. Allele origin: germline.
Comment: This variant has not been reported in the literature in individuals affected with DSC2-related conditions. This variant is not present in population databases (gnomAD no frequency). This sequence change replaces glutamine, which is neutral and polar, with arginine, which is basic and polar, at codon 430 of the DSC2 protein (p.Gln430Arg). In summary, the available evidence is currently insufficient to determine the role of this variant in disease. Therefore, it has been classified as a Variant of Uncertain Significance. Algorithms developed to predict the effect of missense changes on protein structure and function (SIFT, PolyPhen-2, Align-GVGD) all suggest that this variant is likely to be tolerated.